The following is an entry in ClinVar:

NM_003718.5(CDK13):c.2140G>C (p.Gly714Arg)

Gene: CDK13 (cyclin dependent kinase 13; plus strand). Cytogenetic location: 7p14.1.
Variant type: single nucleotide variant.
Coding change: c.2140G>C on transcript NM_003718.5 (MANE Select); coding-DNA position 2140, G replaced by C.
Protein change: p.Gly714Arg; replaces glycine 714 with arginine.
Molecular consequence: missense variant.
Genome position (GRCh38, 1-based): chr7:39,999,458, G>C. VCF-style: chr7-39999458-G-C. GRCh37 (hg19) VCF-style: chr7-40039057-G-C.
Other names: c.2140G>C, p.Gly714Arg (NM_031267.4); short protein forms G714R.
Identifiers: ClinVar variation 375738 (VCV000375738.2), dbSNP rs1057519633, ClinGen allele CA16044433.

ClinVar aggregate classification (germline): Pathogenic. Review status: criteria provided, single submitter (1 of 4 stars). 2 submissions from 2 submitters: Pathogenic (1). 1 of the submissions does not count toward it. Last evaluated 2024-09-05.

Conditions:
Congenital heart defects, dysmorphic facial features, and intellectual developmental disorder (CHDFIDD). Identifiers: Orphanet 646278, MedGen C4479246, MONDO:0044302, OMIM 617360.

Submissions (2):

ARUP Laboratories, Molecular Genetics and Genomics, ARUP Laboratories
Classification: Pathogenic for Congenital heart defects, dysmorphic facial features, and intellectual developmental disorder. Last evaluated: 2024-09-05. Review status: criteria provided, single submitter. Criteria: ARUP Molecular Germline Variant Investigation Process 2024. Collection method: clinical testing. Allele origin: germline.
Comment: The CDK13 c.2140G>C; p.Gly714Arg variant (rs1057519633, ClinVar Variation ID: 375738) is reported de novo in the literature in multiple individuals with congenital heart defects, dysmorphic facial features, and intellectual developmental disorder (Hamilton 2018, Sifrim 2016). This variant is also absent from the Genome Aggregation Database (v2.1.1), indicating it is not a common polymorphism. Computational analyses predict that this variant is deleterious (REVEL: 0.968). In addition, the glycine at codon 714 is located in the ATP binding site of the protein kinase domain, which is predicted to affect kinase activity (Bostwick 2017). Based on available information, this variant is considered to be pathogenic. References: Bostwick BL et al. Phenotypic and molecular characterisation of CDK13-related congenital heart defects, dysmorphic facial features and intellectual developmental disorders. Genome Med. 2017;9(1):73. PMID: 28807008. Hamilton MJ et al. Heterozygous mutations affecting the protein kinase domain of CDK13 cause a syndromic form of developmental delay and intellectual disability. J Med Genet. 2018;55(1):28-38. PMID: 29021403. Sifrim A et al. Distinct genetic architectures for syndromic and nonsyndromic congenital heart defects identified by exome sequencing. Nat Genet. 2016;48(9):1060-1065. PMID: 27479907.

OMIM
Classification: Pathogenic for CONGENITAL HEART DEFECTS, DYSMORPHIC FACIAL FEATURES, AND INTELLECTUAL DEVELOPMENTAL DISORDER. Last evaluated: 2017-02-24. Review status: no assertion criteria provided. Collection method: literature only. Allele origin: germline. Not counted in ClinVar's aggregate classification.

Literature cited by the submitters: PubMed 27479907 (cited by OMIM).